The following is an entry in ClinVar:

NM_000132.4(F8):c.37C>T (p.Leu13Phe)

Gene: F8 (coagulation factor VIII; minus strand). Cytogenetic location: Xq28.
Variant type: single nucleotide variant.
Coding change: c.37C>T on transcript NM_000132.4 (MANE Select); coding-DNA position 37, C replaced by T.
Protein change: p.Leu13Phe; replaces leucine 13 with phenylalanine.
Molecular consequence: missense variant.
Genome position (GRCh38, 1-based): chrX:155,022,516, G>A on the plus strand (C>T on the coding strand, the complement: F8 is on the minus strand). VCF-style: chrX-155022516-G-A. GRCh37 (hg19) VCF-style: chrX-154250791-G-A.
Other names: c.37C>T (NM_000132.3); short protein forms L13F.
Identifiers: ClinVar variation 2428536 (VCV002428536.4), dbSNP rs2524003665, ClinGen allele CA414920664.
Genomic context (GRCh38, chrX:155,022,516, plus strand): 5'-ATGACAGTTCCACTGCACCCAGGTAGTATCTTCTGGTGGCACTAAAGCAGAATCGCAAAA[G>A]GCACAGAAAGAAGCAGGTGGAGAGCTCTATTTGCATGACTTATTGCTACAAATGTTCAAC-3'
Protein context (NP_000123.1, residues 3-23): IELSTCFFLC[Leu13Phe]LRFCFSATRR

ClinVar aggregate classification (germline): Uncertain significance. Review status: criteria provided, multiple submitters, no conflicts (2 of 4 stars). 2 submissions from 2 submitters: Uncertain significance (2). Last evaluated 2025-06-06.

Conditions:
Inborn genetic diseases. Identifiers: MedGen C0950123, MeSH D030342.

Allele frequency attached by ClinVar (database versions not stated): gnomAD exomes below 0.00001.
gnomAD v4.1: 1 of 1,211,527 alleles (0.000083%); highest among the groups gnomAD compares: Admixed American, 0.0022%; no homozygotes.

Submissions (2):

Ambry Genetics
Classification: Uncertain significance for Inborn genetic diseases. Last evaluated: 2025-06-06. Review status: criteria provided, single submitter. Criteria: Ambry Variant Classification Scheme 2023. Collection method: clinical testing. Allele origin: germline.

ARUP Laboratories, Molecular Genetics and Genomics, ARUP Laboratories
Classification: Uncertain significance. Last evaluated: 2022-09-22. Review status: criteria provided, single submitter. Criteria: ARUP Molecular Germline Variant Investigation Process 2021. Collection method: clinical testing. Allele origin: germline.
Comment: The F8 c.37C>T; p.Leu13Phe variant, to our knowledge, is not reported in the medical literature or gene specific databases. This variant is also absent from the Genome Aggregation Database, indicating it is not a common polymorphism. Additionally, other variants at this codon (c.38T>C, p.Leu13Pro; c.38T>G, p.Leu13Arg) have been reported in individuals with severe hemophilia (Johnsen 2017, Santacroce 2008). The leucine at codon 13 is highly conserved, but computational analyses are uncertain whether this variant is neutral or deleterious (REVEL: 0.246). Due to limited information, the clinical significance of the p.Leu13Phe variant is uncertain at this time. REFERENCES: Johnsen JM et al. Novel approach to genetic analysis and results in 3000 hemophilia patients enrolled in the My Life, Our Future initiative. Blood Adv. 2017 May 18;1(13):824-834. PMID: 29296726. Santacroce R et al. Identification of 217 unreported mutations in the F8 gene in a group of 1,410 unselected Italian patients with hemophilia A. J Hum Genet. 2008;53(3):275-284. PMID: 18217193.